The following is an entry in ClinVar:

ClinVar aggregate classification (germline): Benign/Likely benign. Review status: criteria provided, multiple submitters, no conflicts (2 of 4 stars). 5 submissions from 5 submitters: Benign (2); Likely benign (1). 2 of the submissions do not count toward it. Last evaluated 2026-01-20.

Conditions:
FAT1-related disorder. Also called: FAT1-related condition.

Allele frequency attached by ClinVar (database versions not stated): 1000 Genomes Project 0.00220; ESP Exome Variant Server 0.00246; gnomAD 0.00253 and 0.00265; 1000 Genomes Project 30x 0.00281; TOPMed 0.00308; gnomAD exomes 0.00335; ExAC 0.00455.
gnomAD v4.1: 5,757 of 1,578,122 alleles (0.36%); highest among the groups gnomAD compares: South Asian, 0.8%; 31 homozygotes.

Submissions (5):

Labcorp Genetics (formerly Invitae), Labcorp
Classification: Benign. Last evaluated: 2026-01-20. Review status: criteria provided, single submitter. Criteria: Invitae Variant Classification Sherloc (09022015). Collection method: clinical testing. Allele origin: germline.

CeGaT Center for Human Genetics Tuebingen
Classification: Likely benign. Last evaluated: 2023-02-01. Review status: criteria provided, single submitter. Criteria: CeGaT Center For Human Genetics Tuebingen Variant Classification Criteria Version 2. Collection method: clinical testing. Allele origin: germline. Affected: yes. Observed: 2 variant alleles.
Comment: FAT1: BP4, BS2

Breakthrough Genomics
Classification: Benign. Review status: criteria provided, single submitter. Criteria: ACMG Guidelines, 2015. Collection method: not provided. Allele origin: germline. Inheritance: Unknown mechanism. Affected: yes.

PreventionGenetics, part of Exact Sciences
Classification: Benign for FAT1-related condition. Last evaluated: 2022-08-07. Review status: no assertion criteria provided. Collection method: clinical testing. Allele origin: germline. Not counted in ClinVar's aggregate classification.
Comment: This variant is classified as benign based on ACMG/AMP sequence variant interpretation guidelines (Richards et al. 2015 PMID: 25741868, with internal and published modifications).

Department of Pathology and Laboratory Medicine, Sinai Health System
Classification: Benign. Review status: no assertion criteria provided. Collection method: clinical testing. Allele origin: unknown. Affected: yes. Study: The Canadian Open Genetics Repository (COGR). Not counted in ClinVar's aggregate classification.
Comment: The FAT1 p.P1614L variant was identified in one homozygous individual with congenital anomalies of the kidneys and urinary tract; however, this individual was also homozygous for a previously reported causative variant (Vivante_2017_PMID: 27151922). The variant was identified in dbSNP (ID: rs183343406), ClinVar (classified as benign by Invitae) and COSMIC (tissue distribution: meninges and upper aerodigestive tract). The variant was identified in control databases in 765 of 243578 chromosomes (7 homozygous) at a frequency of 0.003141 (Genome Aggregation Database March 6, 2019, v2.1.1). The p.P1614 residue is conserved in mammals and computational analyses (MUT Assesor, PolyPhen-2, SIFT, MutationTaster, Revel, FATHMM, MetaLR, DANN) provide inconsistent predictions regarding the impact to the protein; this information is not very predictive of pathogenicity. The variant occurs outside of the splicing consensus sequence and in silico or computational prediction software programs (Splice AI exome) do not predict a difference in splicing. In summary, based on the above information this variant meets our laboratory's criteria to be classified as benign.

NM_005245.4(FAT1):c.4841C>T (p.Pro1614Leu)

Genes: FAT1 (FAT atypical cadherin 1; minus strand), LOC132090718 (Neanderthal introgressed variant-containing enhancer experimental_76848; plus strand). Cytogenetic location: 4q35.2.
Variant type: single nucleotide variant.
Coding change: c.4841C>T on transcript NM_005245.4 (MANE Select); coding-DNA position 4841, C replaced by T.
Protein change: p.Pro1614Leu; replaces proline 1614 with leucine.
Molecular consequence: missense variant.
Genome position (GRCh38, 1-based): chr4:186,621,745, G>A on the plus strand (C>T on the coding strand, the complement: FAT1 is on the minus strand). VCF-style: chr4-186621745-G-A. GRCh37 (hg19) VCF-style: chr4-187542899-G-A.
Other names: short protein forms P1614L.
Identifiers: ClinVar variation 708936 (VCV000708936.37), dbSNP rs183343406, ClinGen allele CA3166578.